The following is an entry in ClinVar:

ClinVar aggregate classification (germline): Uncertain significance (0 of 4 stars; one submission).

Conditions:
NPHP4-related disorder. Also called: NPHP4-related condition; NPHP4-related disorders. Identifiers: MedGen CN239384.

Allele frequency attached by ClinVar (database versions not stated): gnomAD exomes below 0.00001.
gnomAD v4.1: 5 of 1,613,850 alleles (0.00031%); highest among the groups gnomAD compares: African/African-American, 0.0027%; 1 homozygote.

Submission:

PreventionGenetics, part of Exact Sciences
Classification: Uncertain significance for NPHP4-related condition. Last evaluated: 2024-01-05. Review status: no assertion criteria provided. Collection method: clinical testing. Allele origin: germline.
Comment: The NPHP4 c.62C>T variant is predicted to result in the amino acid substitution p.Ala21Val. To our knowledge, this variant has not been reported in the literature or in gnomAD, indicating this variant is rare. At this time, the clinical significance of this variant is uncertain due to the absence of conclusive functional and genetic evidence.

NM_015102.5(NPHP4):c.62C>T (p.Ala21Val)

Gene: NPHP4 (nephrocystin 4; minus strand). Cytogenetic location: 1p36.31.
Variant type: single nucleotide variant.
Coding change: c.62C>T on transcript NM_015102.5 (MANE Select); coding-DNA position 62, C replaced by T.
Protein change: p.Ala21Val; replaces alanine 21 with valine.
Molecular consequence: missense variant. On other transcripts: 5 prime UTR variant (1), non-coding transcript variant (1), intron variant (1).
Genome position (GRCh38, 1-based): chr1:5,986,228, G>A on the plus strand (C>T on the coding strand, the complement: NPHP4 is on the minus strand). VCF-style: chr1-5986228-G-A. GRCh37 (hg19) VCF-style: chr1-6046288-G-A.
Other names: c.-1168C>T (NM_001291593.2); c.-1088+6016C>T (NM_001291594.2); short protein forms A21V.
Identifiers: ClinVar variation 3031727 (VCV003031727.2), dbSNP rs1655464570, ClinGen allele CA338055129.
Genomic context (GRCh38, chr1:5,986,228, plus strand): 5'-GGTCCGTCCAGCCACTTGAGGACACACTGGAATGCCGTGGATTCCTTCCAAGGCTGGCGC[G>A]CTCTCTGTGGGTGGGGAGGGACAAGCACGTTTTGGGTGAAGATCCTGTGCCAGTCGTTCA-3'
Protein context (NP_055917.1, residues 11-31): NVLVPPHPQR[Ala21Val]RQPWKESTAF